The following is an entry in ClinVar:

ClinVar aggregate classification (germline): Pathogenic (1 of 4 stars; one submission).

Submission:

GeneDx
Classification: Pathogenic. Last evaluated: 2019-07-16. Review status: criteria provided, single submitter. Criteria: GeneDx Variant Classification Process June 2021. Collection method: clinical testing. Allele origin: germline. Affected: yes.
Comment: Has not been previously published as pathogenic or benign to our knowledge; Frameshift variant predicted to result in protein truncation [or nonsense mediated decay] in a gene for which loss-of-function is a known mechanism of disease; Not observed in large population cohorts (Lek et al., 2016)

NM_000138.5(FBN1):c.5735del (p.Phe1912fs)

Gene: FBN1 (fibrillin 1; minus strand). Cytogenetic location: 15q21.1.
Variant type: Deletion.
Coding change: c.5735del on transcript NM_000138.5 (MANE Select); coding-DNA position 5735, one base deleted (T; older notation c.5735delT).
Protein change: p.Phe1912fs; shifts the reading frame from phenylalanine 1912.
Molecular consequence: frameshift variant.
Genome position (GRCh38, 1-based): chr15:48,446,759, A deleted on the plus strand (T on the coding strand, the reverse complement: FBN1 is on the minus strand); the first of 2 consecutive A bases (chr15:48,446,759-48,446,760); deleting either gives the same sequence. VCF-style (leftmost placement, unchanged base first): chr15-48446758-GA-G. GRCh37 (hg19) VCF-style: chr15-48738955-GA-G.
Other names: c.5735delT (NM_000138.4); short protein forms F1912fs.
Identifiers: ClinVar variation 419086 (VCV000419086.4), dbSNP rs1064793633, ClinGen allele CA16619950.